The following is an entry in ClinVar:

NM_001379291.1(BRD4):c.2158+2425G>A

Gene: BRD4 (bromodomain containing 4; minus strand). Cytogenetic location: 19p13.12.
Variant type: single nucleotide variant.
Coding change: c.2158+2425G>A on transcript NM_001379291.1 (MANE Select); 2425 bases into the intron after coding-DNA position 2158, G replaced by A.
Molecular consequence: intron variant.
Genome position (GRCh38, 1-based): chr19:15,251,727, C>T on the plus strand (G>A on the coding strand, the complement: BRD4 is on the minus strand). VCF-style: chr19-15251727-C-T. GRCh37 (hg19) VCF-style: chr19-15362538-C-T.
Other names: c.2158+2425G>A (NM_058243.3, NM_001379292.1, NM_014299.3).
Identifiers: ClinVar variation 2649476 (VCV002649476.24), dbSNP rs185509489, ClinGen allele CA305797682.

ClinVar aggregate classification (germline): Likely benign (1 of 4 stars; one submission).

Allele frequency attached by ClinVar (database versions not stated): 1000 Genomes Project 0.00140; 1000 Genomes Project 30x 0.00141; gnomAD 0.00320; TOPMed 0.00351.
gnomAD v4.1: 501 of 152,260 alleles (0.33%); highest among the groups gnomAD compares: Admixed American, 0.51%; 3 homozygotes.

Submission:

CeGaT Center for Human Genetics Tuebingen
Classification: Likely benign. Last evaluated: 2026-08-01. Review status: criteria provided, single submitter. Criteria: CeGaT Center For Human Genetics Tuebingen Variant Classification Criteria Version 2. Collection method: clinical testing. Allele origin: germline. Affected: yes. Observed: 19 variant alleles.
Comment: BRD4: BS2